The following is an entry in ClinVar:

ClinVar aggregate classification (germline): Conflicting classifications of pathogenicity. Review status: criteria provided, conflicting classifications (1 of 4 stars). 6 submissions from 6 submitters: Uncertain significance (4); Likely benign (2). Last evaluated 2026-05-14.

Conditions:
Iodotyrosyl coupling defect (TDH3). Also called: THYROID HORMONOGENESIS, GENETIC DEFECT IN, 3; HYPOTHYROIDISM, CONGENITAL, DUE TO DYSHORMONOGENESIS, 3. Identifiers: Orphanet 95716, MedGen C0342194, MONDO:0010135, OMIM 274700.
Inborn genetic diseases. Identifiers: MedGen C0950123, MeSH D030342.

Allele frequency attached by ClinVar (database versions not stated): 1000 Genomes Project 30x 0.00047; TOPMed 0.00108; 1000 Genomes Project 0.00040; gnomAD 0.00086 and 0.00089; ESP Exome Variant Server 0.00092; gnomAD exomes 0.00021; ExAC 0.00021.
gnomAD v4.1: 277 of 1,612,052 alleles (0.017%); highest among the groups gnomAD compares: African/African-American, 0.3%; 1 homozygote.

Submissions (6):

GeneDx
Classification: Uncertain significance. Last evaluated: 2026-05-14. Review status: criteria provided, single submitter. Criteria: GeneDx Variant Classification Process June 2021. Collection method: clinical testing. Allele origin: germline.
Comment: In silico analysis supports that this missense variant has a deleterious effect on protein structure/function; Has not been previously published as pathogenic or benign to our knowledge

Labcorp Genetics (formerly Invitae), Labcorp
Classification: Likely benign. Last evaluated: 2025-12-16. Review status: criteria provided, single submitter. Criteria: Invitae Variant Classification Sherloc (09022015). Collection method: clinical testing. Allele origin: germline.

Women's Health and Genetics/Laboratory Corporation of America, LabCorp
Classification: Likely benign. Last evaluated: 2025-11-10. Review status: criteria provided, single submitter. Criteria: LabCorp Variant Classification Summary - May 2015. Collection method: clinical testing. Allele origin: germline.
Comment: Variant summary: TG c.3983G>A (p.Arg1328His) results in a non-conservative amino acid change in the encoded protein sequence. Algorithms developed to predict the effect of missense changes on protein structure and function are either unavailable or do not agree on the potential impact of this missense change. The variant allele was found at a frequency of 0.00021 in 251180 control chromosomes, predominantly at a frequency of 0.0028 within the African or African-American subpopulation in the gnomAD database. The observed variant frequency within African or African-American control individuals in the gnomAD database exceeds the estimated maximal expected allele frequency for disease-causing variants in TG. To our knowledge, no occurrence of c.3983G>A in individuals affected with TG-related conditions and no experimental evidence demonstrating its impact on protein function have been reported. ClinVar contains an entry for this variant (Variation ID: 908147). Based on the evidence outlined above, the variant was classified as likely benign.

Ambry Genetics
Classification: Uncertain significance for Inborn genetic diseases. Last evaluated: 2024-10-25. Review status: criteria provided, single submitter. Criteria: Ambry Variant Classification Scheme 2023. Collection method: clinical testing. Allele origin: germline.

Revvity Omics, Revvity
Classification: Uncertain significance for Iodotyrosyl coupling defect. Last evaluated: 2022-09-02. Review status: criteria provided, single submitter. Criteria: ACMG Guidelines, 2015. Collection method: clinical testing. Allele origin: germline.

Illumina Laboratory Services, Illumina
Classification: Uncertain significance for Iodotyrosyl coupling defect. Last evaluated: 2018-01-12. Review status: criteria provided, single submitter. Criteria: ICSL Variant Classification Criteria 13 December 2019. Collection method: clinical testing. Allele origin: germline.

NM_003235.5(TG):c.3983G>A (p.Arg1328His)

Gene: TG (thyroglobulin; plus strand). Cytogenetic location: 8q24.22.
Variant type: single nucleotide variant.
Coding change: c.3983G>A on transcript NM_003235.5 (MANE Select); coding-DNA position 3983, G replaced by A.
Protein change: p.Arg1328His; replaces arginine 1328 with histidine.
Molecular consequence: missense variant.
Genome position (GRCh38, 1-based): chr8:132,908,321, G>A. VCF-style: chr8-132908321-G-A. GRCh37 (hg19) VCF-style: chr8-133920566-G-A.
Other names: short protein forms R1328H.
Identifiers: ClinVar variation 908147 (VCV000908147.15), dbSNP rs141146573, ClinGen allele CA4883961.